The following is an entry in ClinVar:

NM_001148.6(ANK2):c.1297A>G (p.Thr433Ala)

Gene: ANK2 (ankyrin 2; plus strand). Cytogenetic location: 4q26.
Variant type: single nucleotide variant.
Coding change: c.1297A>G on transcript NM_001148.6 (MANE Select); coding-DNA position 1297, A replaced by G.
Protein change: p.Thr433Ala; replaces threonine 433 with alanine.
Molecular consequence: missense variant. On other transcripts: intron variant (5).
Genome position (GRCh38, 1-based): chr4:113,258,322, A>G. VCF-style: chr4-113258322-A-G. GRCh37 (hg19) VCF-style: chr4-114179478-A-G.
Other names: c.1234A>G, p.Thr412Ala (NM_001127493.3, NM_001354239.2, NM_001354243.2 and 14 more transcripts); c.1297A>G, p.Thr433Ala (NM_001354225.2, NM_001354228.2, NM_001354232.2 and 8 more transcripts); c.1342A>G, p.Thr448Ala (NM_001354230.2, NM_001354231.2, NM_001354237.2 and 5 more transcripts); c.1210A>G, p.Thr404Ala (NM_001354249.2, NM_001354260.2, NM_001354264.2 and 13 more transcripts); c.1255A>G, p.Thr419Ala (NM_001354261.2, NM_001386147.1, NM_001386160.1); c.1285A>G, p.Thr429Ala (NM_001386148.2, NM_001386186.2); c.1348A>G, p.Thr450Ala (NM_001386174.1); c.1324A>G, p.Thr442Ala (NM_001386175.1); and 4 more; short protein forms T421A, T429A, T433A, T404A, T412A, T442A, T448A, T419A.
Identifiers: ClinVar variation 1769238 (VCV001769238.2), dbSNP rs2493029112, ClinGen allele CA357927900.

ClinVar aggregate classification (germline): Uncertain significance (1 of 4 stars; one submission).

Conditions:
Cardiovascular phenotype. Identifiers: MedGen CN230736.

Submission:

Ambry Genetics
Classification: Uncertain significance for Cardiovascular phenotype. Last evaluated: 2021-08-23. Review status: criteria provided, single submitter. Criteria: Ambry Variant Classification Scheme 2023. Collection method: clinical testing. Allele origin: germline.
Comment: The p.T433A variant (also known as c.1297A>G), located in coding exon 13 of the ANK2 gene, results from an A to G substitution at nucleotide position 1297. The threonine at codon 433 is replaced by alanine, an amino acid with similar properties. This amino acid position is highly conserved in available vertebrate species. In addition, this alteration is predicted to be deleterious by in silico analysis. Since supporting evidence is limited at this time, the clinical significance of this alteration remains unclear.